The following is an entry in ClinVar:

NM_001377.3(DYNC2H1):c.1966G>T (p.Gly656Ter)

Gene: DYNC2H1 (dynein cytoplasmic 2 heavy chain 1; plus strand). Cytogenetic location: 11q22.3.
Variant type: single nucleotide variant.
Coding change: c.1966G>T on transcript NM_001377.3 (MANE Select); coding-DNA position 1966, G replaced by T.
Protein change: p.Gly656Ter; replaces glycine 656 with a stop codon.
Molecular consequence: nonsense.
Genome position (GRCh38, 1-based): chr11:103,133,567, G>T. VCF-style: chr11-103133567-G-T. GRCh37 (hg19) VCF-style: chr11-103004296-G-T.
Other names: c.1966G>T, p.Gly656Ter (NM_001080463.2); short protein forms G656*.
Identifiers: ClinVar variation 2838216 (VCV002838216.3), dbSNP rs369040584, ClinGen allele CA382257337.

ClinVar aggregate classification (germline): Pathogenic (1 of 4 stars; one submission).

Conditions:
Jeune thoracic dystrophy. Also called: Short-rib thoracic dysplasia; Jeune syndrome; Infantile thoracic dystrophy; Thoracic pelvic phalangeal dystrophy; Jeune's syndrome; Chondroectodermal dysplasia-like syndrome. Identifiers: Orphanet 474, MedGen C0265275, MONDO:0018770.

Submission:

Labcorp Genetics (formerly Invitae), Labcorp
Classification: Pathogenic for Jeune thoracic dystrophy. Last evaluated: 2023-02-16. Review status: criteria provided, single submitter. Criteria: Invitae Variant Classification Sherloc (09022015). Collection method: clinical testing. Allele origin: germline.
Comment: This sequence change creates a premature translational stop signal (p.Gly656*) in the DYNC2H1 gene. It is expected to result in an absent or disrupted protein product. Loss-of-function variants in DYNC2H1 are known to be pathogenic (PMID: 23339108, 32753734). This variant is not present in population databases (gnomAD no frequency). This variant has not been reported in the literature in individuals affected with DYNC2H1-related conditions. For these reasons, this variant has been classified as Pathogenic.

Literature cited by the submitters: PubMed 23339108; PubMed 32753734.